The following is an entry in ClinVar:

NM_006767.4(LZTR1):c.2130C>G (p.Ile710Met)

Gene: LZTR1 (leucine zipper like post translational regulator 1; plus strand). Cytogenetic location: 22q11.21.
Variant type: single nucleotide variant.
Coding change: c.2130C>G on transcript NM_006767.4 (MANE Select); coding-DNA position 2130, C replaced by G.
Protein change: p.Ile710Met; replaces isoleucine 710 with methionine.
Molecular consequence: missense variant.
Genome position (GRCh38, 1-based): chr22:20,996,023, C>G. VCF-style: chr22-20996023-C-G. GRCh37 (hg19) VCF-style: chr22-21350312-C-G.
Other names: short protein forms I710M.
Identifiers: ClinVar variation 4615623 (VCV004615623.1).

ClinVar aggregate classification (germline): Uncertain significance (1 of 4 stars; one submission).

Conditions:
Cardiovascular phenotype. Identifiers: MedGen CN230736.
Hereditary cancer-predisposing syndrome. Also called: Neoplastic Syndromes, Hereditary; Tumor predisposition; Hereditary Cancer Syndrome; Hereditary neoplastic syndrome. Identifiers: Orphanet 140162, MedGen C0027672, MeSH D009386, MONDO:0015356.

gnomAD v4.1: 2 of 1,613,522 alleles (0.00012%); highest among the groups gnomAD compares: Non-Finnish European, 0.00017%; no homozygotes.

Submission:

Ambry Genetics
Classification: Uncertain significance for Cardiovascular phenotype; Hereditary cancer-predisposing syndrome. Last evaluated: 2025-10-02. Review status: criteria provided, single submitter. Criteria: Ambry Variant Classification Scheme 2023. Collection method: clinical testing. Allele origin: germline.
Comment: The p.I710M variant (also known as c.2130C>G), located in coding exon 18 of the LZTR1 gene, results from a C to G substitution at nucleotide position 2130. The isoleucine at codon 710 is replaced by methionine, an amino acid with highly similar properties. This amino acid position is conserved. In addition, the in silico prediction for this alteration is inconclusive. Based on the available evidence, the clinical significance of this variant remains unclear.